The following is an entry in ClinVar:

NM_213599.3(ANO5):c.567A>G (p.Ala189=)

Gene: ANO5 (anoctamin 5; plus strand). Cytogenetic location: 11p14.3.
Variant type: single nucleotide variant.
Coding change: c.567A>G on transcript NM_213599.3 (MANE Select); coding-DNA position 567, A replaced by G.
Protein change: p.Ala189=; no amino-acid change (alanine 189 retained).
Molecular consequence: synonymous variant.
Genome position (GRCh38, 1-based): chr11:22,227,505, A>G. VCF-style: chr11-22227505-A-G. GRCh37 (hg19) VCF-style: chr11-22249051-A-G.
Other names: NM_213599.3(ANO5):c.567A>G; p.Ala189=; c.564A>G, p.Ala188= (NM_001142649.2).
Identifiers: ClinVar variation 304099 (VCV000304099.15), dbSNP rs546565538, ClinGen allele CA5922947.

ClinVar aggregate classification (germline): Likely benign. Review status: reviewed by expert panel (3 of 4 stars). 3 submissions from 3 submitters: Likely benign (1). 2 of the submissions do not count toward it. Last evaluated 2025-01-09.

Conditions:
Autosomal recessive limb-girdle muscular dystrophy. Identifiers: Orphanet 102015, MedGen C2931907, MONDO:0015152.
Gnathodiaphyseal dysplasia (GDD). Also called: GNATHODIAPHYSEAL SCLEROSIS; OSTEOGENESIS IMPERFECTA WITH UNUSUAL SKELETAL LESIONS. Identifiers: Orphanet 53697, MedGen C1833736, MONDO:0008151, OMIM 166260.
Autosomal recessive limb-girdle muscular dystrophy type 2L (LGMDR12). Also called: Limb-Girdle Muscular Dystrophy R12 Anoctamin-5-Related (LGMD-R12); Limb-girdle muscular dystrophy, type 2L; MUSCULAR DYSTROPHY, LIMB-GIRDLE, AUTOSOMAL RECESSIVE 12. Identifiers: Orphanet 206549, MedGen C1969785, MONDO:0012652, OMIM 611307.

Allele frequency attached by ClinVar (database versions not stated): gnomAD 0.00001 and 0.00007; TOPMed 0.00001; gnomAD exomes 0.00009 and 0.00018; ExAC 0.00021; 1000 Genomes Project 30x 0.00094; 1000 Genomes Project 0.00100.
gnomAD v4.1: 141 of 1,613,620 alleles (0.0087%); highest among the groups gnomAD compares: South Asian, 0.14%; 1 homozygote.

Submissions (3):

ClinGen Limb Girdle Muscular Dystrophy Variant Curation Expert Panel, ClinGen
Classification: Likely benign for Autosomal recessive limb-girdle muscular dystrophy. Last evaluated: 2025-01-09. Review status: reviewed by expert panel. Criteria: ClinGen LGMD VCEP ACMG Specifications ANO5 V1.0.0. Collection method: curation. Allele origin: germline. Inheritance: Autosomal recessive inheritance.
Comment: The NM_213599.3: c.567A>G variant in ANO5 is a synonymous (silent) variant that is not expected to change the amino acid sequence, p.(Ala189=). The filtering allele frequency for this variant is 0.001135 for the African/African American population in gnomAD v4.1.0 (the lower threshold of the 95% CI of 115/86256 exome chromosomes), which is greater than the ClinGen LGMD VCEP threshold of 0.001 for BS1, and therefore meets this criterion (BS1). This variant is not located in a splice region, and the SpliceAI prediction score for this variant is 0, which is less than the LGMD threshold of 0.05 (BP4, BP7). In summary, this variant meets the criteria to be classified as Likely Benign for autosomal recessive limb girdle muscular dystrophy based on the ACMG/AMP criteria applied, as specified by the LGMD VCEP (LGMD VCEP specifications version 1.0.0; 01/09/2025): BS1, BP4, BP7.

Labcorp Genetics (formerly Invitae), Labcorp
Classification: Likely benign for Autosomal recessive limb-girdle muscular dystrophy type 2L; Gnathodiaphyseal dysplasia. Last evaluated: 2026-02-04. Review status: criteria provided, single submitter. Criteria: Invitae Variant Classification Sherloc (09022015). Collection method: clinical testing. Allele origin: germline. Not counted in ClinVar's aggregate classification.

Blueprint Genetics
Classification: Likely benign. Last evaluated: 2024-04-09. Review status: criteria provided, single submitter. Criteria: ACMG Guidelines, 2015. Collection method: clinical testing. Allele origin: germline. Not counted in ClinVar's aggregate classification.